The following is an entry in ClinVar:

NM_012092.4(ICOS):c.24C>A (p.Phe8Leu)

Gene: ICOS (inducible T cell costimulator; plus strand). Cytogenetic location: 2q33.2.
Variant type: single nucleotide variant.
Coding change: c.24C>A on transcript NM_012092.4 (MANE Select); coding-DNA position 24, C replaced by A.
Protein change: p.Phe8Leu; replaces phenylalanine 8 with leucine.
Molecular consequence: missense variant.
Genome position (GRCh38, 1-based): chr2:203,936,838, C>A. VCF-style: chr2-203936838-C-A. GRCh37 (hg19) VCF-style: chr2-204801561-C-A.
Other names: short protein forms F8L.
Identifiers: ClinVar variation 2139021 (VCV002139021.4), dbSNP rs1689659550, ClinGen allele CA350139455.

ClinVar aggregate classification (germline): Uncertain significance (1 of 4 stars; one submission).

Conditions:
Immunodeficiency, common variable, 1. Also called: ANTIBODY DEFICIENCY DUE TO ICOS DEFECT. Identifiers: Orphanet 1572, Orphanet 695183, MedGen C3149378, MONDO:0011864, OMIM 607594.

Submission:

Labcorp Genetics (formerly Invitae), Labcorp
Classification: Uncertain significance for Immunodeficiency, common variable, 1. Last evaluated: 2022-06-10. Review status: criteria provided, single submitter. Criteria: Invitae Variant Classification Sherloc (09022015). Collection method: clinical testing. Allele origin: germline.
Comment: This variant is not present in population databases (gnomAD no frequency). In summary, the available evidence is currently insufficient to determine the role of this variant in disease. Therefore, it has been classified as a Variant of Uncertain Significance. Algorithms developed to predict the effect of missense changes on protein structure and function output the following: SIFT: "Tolerated"; PolyPhen-2: "Benign"; Align-GVGD: "Class C0". The leucine amino acid residue is found in multiple mammalian species, which suggests that this missense change does not adversely affect protein function. This variant has not been reported in the literature in individuals affected with ICOS-related conditions. This sequence change replaces phenylalanine, which is neutral and non-polar, with leucine, which is neutral and non-polar, at codon 8 of the ICOS protein (p.Phe8Leu).